The following is an entry in ClinVar:

NM_001267550.2(TTN):c.2775+18C>T

Gene: TTN (titin; minus strand). Cytogenetic location: 2q31.2.
Variant type: single nucleotide variant.
Coding change: c.2775+18C>T on transcript NM_001267550.2 (MANE Select); 18 bases into the intron after coding-DNA position 2775, C replaced by T.
Molecular consequence: intron variant.
Genome position (GRCh38, 1-based): chr2:178,784,052, G>A on the plus strand (C>T on the coding strand, the complement: TTN is on the minus strand). VCF-style: chr2-178784052-G-A. GRCh37 (hg19) VCF-style: chr2-179648779-G-A.
Other names: c.2637+18C>T (NM_003319.4, NM_133437.4, NM_133432.3); c.2775+18C>T (NM_133378.4, NM_001256850.1, NM_133379.5).
Identifiers: ClinVar variation 378799 (VCV000378799.11), dbSNP rs372384261, ClinGen allele CA2005740.

ClinVar aggregate classification (germline): Benign/Likely benign. Review status: criteria provided, multiple submitters, no conflicts (2 of 4 stars). 4 submissions from 4 submitters: Benign (1); Likely benign (3). Last evaluated 2026-06-23.

Conditions:
Dilated cardiomyopathy 1G (CMD1G). Identifiers: Orphanet 154, MedGen C1858763, MONDO:0011400, OMIM 604145.
Autosomal recessive limb-girdle muscular dystrophy type 2J (LGMDR10). Also called: Limb-girdle muscular dystrophy, type 2J; MUSCULAR DYSTROPHY, LIMB-GIRDLE, AUTOSOMAL RECESSIVE 10. Identifiers: Orphanet 140922, MedGen C1837342, MONDO:0012127, OMIM 608807.

Allele frequency attached by ClinVar (database versions not stated): ESP Exome Variant Server 0.00008; TOPMed 0.00008; gnomAD 0.00010 and 0.00011.
gnomAD v4.1: 113 of 1,611,940 alleles (0.007%); highest among the groups gnomAD compares: Non-Finnish European, 0.0089%; no homozygotes.

Submissions (4):

Women's Health and Genetics/Laboratory Corporation of America, LabCorp
Classification: Likely benign. Last evaluated: 2026-06-23. Review status: criteria provided, single submitter. Criteria: LabCorp Variant Classification Summary - May 2015. Collection method: clinical testing. Allele origin: germline.

Labcorp Genetics (formerly Invitae), Labcorp
Classification: Likely benign for Dilated cardiomyopathy 1G; Autosomal recessive limb-girdle muscular dystrophy type 2J. Last evaluated: 2026-01-28. Review status: criteria provided, single submitter. Criteria: Invitae Variant Classification Sherloc (09022015). Collection method: clinical testing. Allele origin: germline.

Blueprint Genetics
Classification: Likely benign. Last evaluated: 2024-11-26. Review status: criteria provided, single submitter. Criteria: ACMG Guidelines, 2015. Collection method: clinical testing. Allele origin: germline.

GeneDx
Classification: Benign. Last evaluated: 2015-08-03. Review status: criteria provided, single submitter. Criteria: GeneDx Variant Classification (06012015). Collection method: clinical testing. Allele origin: germline. Affected: yes.
Comment: This variant is considered likely benign or benign based on one or more of the following criteria: it is a conservative change, it occurs at a poorly conserved position in the protein, it is predicted to be benign by multiple in silico algorithms, and/or has population frequency not consistent with disease.